The following is an entry in ClinVar:

ClinVar aggregate classification (germline): Pathogenic/Likely pathogenic. Review status: criteria provided, multiple submitters, no conflicts (2 of 4 stars). 4 submissions from 4 submitters: Pathogenic (1); Likely pathogenic (2). 1 of the submissions does not count toward it. Last evaluated 2023-08-11.

Conditions:
AGXT-related disorder. Also called: AGXT-related condition.
Primary hyperoxaluria. Identifiers: Orphanet 416, MedGen C0020501, MONDO:0002474.
Primary hyperoxaluria, type I (HP1). Also called: GLYCOLIC ACIDURIA; HEPATIC AGT DEFICIENCY; Primary hyperoxaluria type 1; OXALOSIS I. Identifiers: Orphanet 416, Orphanet 93598, MedGen C0268164, MONDO:0009823, OMIM 259900. Disease mechanism: loss of function.

Allele frequency attached by ClinVar (database versions not stated): gnomAD exomes below 0.00001.
gnomAD v4.1: 1 of 1,613,318 alleles (0.000062%); highest among the groups gnomAD compares: Non-Finnish European, 0.000085%; no homozygotes.

Submissions (4):

Women's Health and Genetics/Laboratory Corporation of America, LabCorp
Classification: Pathogenic for Primary hyperoxaluria. Last evaluated: 2023-08-11. Review status: criteria provided, single submitter. Criteria: LabCorp Variant Classification Summary - May 2015. Collection method: clinical testing. Allele origin: germline.
Comment: Variant summary: AGXT c.680+1G>A is located in a canonical splice-site and is predicted to affect mRNA splicing resulting in a significantly altered protein due to either exon skipping, shortening, or inclusion of intronic material. Several computational tools predict a significant impact on normal splicing: Four predict the variant abolishes the canonical 5' splicing donor site. However, these predictions have yet to be confirmed by functional studies. The variant was absent in 250724 control chromosomes (gnomAD). c.680+1G>A has been reported in the literature in individuals affected with Primary Hyperoxaluria Type 1 (e.g. Williams_2009, Mandrile_2014, Poyah_2021, Deesker_2022). These data indicate that the variant is likely to be associated with disease. To our knowledge, no experimental evidence demonstrating an impact on protein function has been reported. The following publications have been ascertained in the context of this evaluation (PMID: 35812297, 24988064, 34840803, 19479957). No submitters have cited clinical-significance assessments for this variant to ClinVar after 2014. Based on the evidence outlined above, the variant was classified as pathogenic.

Labcorp Genetics (formerly Invitae), Labcorp
Classification: Likely pathogenic. Last evaluated: 2023-01-19. Review status: criteria provided, single submitter. Criteria: Invitae Variant Classification Sherloc (09022015). Collection method: clinical testing. Allele origin: germline.
Comment: In summary, the currently available evidence indicates that the variant is pathogenic, but additional data are needed to prove that conclusively. Therefore, this variant has been classified as Likely Pathogenic. Algorithms developed to predict the effect of sequence changes on RNA splicing suggest that this variant may disrupt the consensus splice site. ClinVar contains an entry for this variant (Variation ID: 204154). Disruption of this splice site has been observed in individual(s) with primary hyperoxaluria type 1 (PMID: 19479957). This variant is not present in population databases (gnomAD no frequency). This sequence change affects a donor splice site in intron 6 of the AGXT gene. It is expected to disrupt RNA splicing. Variants that disrupt the donor or acceptor splice site typically lead to a loss of protein function (PMID: 16199547), and loss-of-function variants in AGXT are known to be pathogenic (PMID: 19479957).

Blueprint Genetics
Classification: Likely pathogenic for AGXT-related disorders. Last evaluated: 2020-09-04. Review status: criteria provided, single submitter. Criteria: ACMG Guidelines, 2015. Collection method: clinical testing. Allele origin: germline. Affected: yes. Observed: 1 variant allele.

Clinical Biochemistry Laboratory, Health Services Laboratory
Classification: Pathogenic for Primary hyperoxaluria, type I. Last evaluated: 2014-11-27. Review status: no assertion criteria provided. Collection method: research. Allele origin: germline. Affected: yes. Not counted in ClinVar's aggregate classification.

Literature cited by the submitters: PubMed 19479957 (cited by 3 submitters); PubMed 24988064 (cited by Women's Health and Genetics/Laboratory Corporation of America, LabCorp); PubMed 35812297 (cited by Women's Health and Genetics/Laboratory Corporation of America, LabCorp); PubMed 34840803 (cited by Women's Health and Genetics/Laboratory Corporation of America, LabCorp); PubMed 16199547 (cited by Labcorp Genetics (formerly Invitae), Labcorp).

NM_000030.3(AGXT):c.680+1G>A

Gene: AGXT (alanine--glyoxylate aminotransferase; plus strand). Cytogenetic location: 2q37.3.
Variant type: single nucleotide variant.
Coding change: c.680+1G>A on transcript NM_000030.3 (MANE Select); the canonical splice donor site of the intron after coding-DNA position 680, G replaced by A.
Molecular consequence: splice donor variant.
Genome position (GRCh38, 1-based): chr2:240,874,063, G>A. VCF-style: chr2-240874063-G-A. GRCh37 (hg19) VCF-style: chr2-241813480-G-A.
Identifiers: ClinVar variation 204154 (VCV000204154.7), dbSNP rs111996685, ClinGen allele CA275794.